The following is an entry in ClinVar:

NM_000297.4(PKD2):c.1829C>T (p.Ala610Val)

Gene: PKD2 (polycystin 2, transient receptor potential cation channel; plus strand). Cytogenetic location: 4q22.1.
Variant type: single nucleotide variant.
Coding change: c.1829C>T on transcript NM_000297.4 (MANE Select); coding-DNA position 1829, C replaced by T.
Protein change: p.Ala610Val; replaces alanine 610 with valine.
Molecular consequence: missense variant. On other transcripts: non-coding transcript variant (1).
Genome position (GRCh38, 1-based): chr4:88,056,198, C>T. VCF-style: chr4-88056198-C-T. GRCh37 (hg19) VCF-style: chr4-88977350-C-T.
Other names: short protein forms A610V.
Identifiers: ClinVar variation 1513170 (VCV001513170.10), dbSNP rs1339345208, ClinGen allele CA357622846.

ClinVar aggregate classification (germline): Uncertain significance. Review status: criteria provided, multiple submitters, no conflicts (2 of 4 stars). 2 submissions from 2 submitters: Uncertain significance (2). Last evaluated 2026-04-01.

Conditions:
Autosomal dominant polycystic kidney disease. Identifiers: Orphanet 730, MedGen C0085413, MONDO:0004691.

Allele frequency attached by ClinVar (database versions not stated): gnomAD exomes below 0.00001; TOPMed below 0.00001; gnomAD 0.00001.
gnomAD v4.1: 6 of 1,612,904 alleles (0.00037%); highest among the groups gnomAD compares: South Asian, 0.0022%; no homozygotes.

Submissions (2):

CeGaT Center for Human Genetics Tuebingen
Classification: Uncertain significance. Last evaluated: 2026-04-01. Review status: criteria provided, single submitter. Criteria: CeGaT Center For Human Genetics Tuebingen Variant Classification Criteria Version 2. Collection method: clinical testing. Allele origin: germline. Affected: yes. Observed: 1 variant allele.
Comment: PKD2: PM2

Labcorp Genetics (formerly Invitae), Labcorp
Classification: Uncertain significance for Autosomal dominant polycystic kidney disease. Last evaluated: 2021-05-12. Review status: criteria provided, single submitter. Criteria: Invitae Variant Classification Sherloc (09022015). Collection method: clinical testing. Allele origin: germline.
Comment: Algorithms developed to predict the effect of missense changes on protein structure and function (SIFT, PolyPhen-2, Align-GVGD) all suggest that this variant is likely to be disruptive, but these predictions have not been confirmed by published functional studies and their clinical significance is uncertain. In summary, the available evidence is currently insufficient to determine the role of this variant in disease. Therefore, it has been classified as a Variant of Uncertain Significance. This variant has not been reported in the literature in individuals with PKD2-related conditions. This variant is not present in population databases (ExAC no frequency). This sequence change replaces alanine with valine at codon 610 of the PKD2 protein (p.Ala610Val). The alanine residue is highly conserved and there is a small physicochemical difference between alanine and valine.